The following is an entry in ClinVar:

NM_001348768.2(HECW2):c.4358C>T (p.Thr1453Ile)

Gene: HECW2 (HECT, C2 and WW domain containing E3 ubiquitin protein ligase 2; minus strand). Cytogenetic location: 2q32.3.
Variant type: single nucleotide variant.
Coding change: c.4358C>T on transcript NM_001348768.2 (MANE Select); coding-DNA position 4358, C replaced by T.
Protein change: p.Thr1453Ile; replaces threonine 1453 with isoleucine.
Molecular consequence: missense variant.
Genome position (GRCh38, 1-based): chr2:196,220,089, G>A on the plus strand (C>T on the coding strand, the complement: HECW2 is on the minus strand). VCF-style: chr2-196220089-G-A. GRCh37 (hg19) VCF-style: chr2-197084813-G-A.
Other names: c.3290C>T, p.Thr1097Ile (NM_001304840.3); c.4358C>T, p.Thr1453Ile (NM_020760.4); short protein forms T1453I, T1097I.
Identifiers: ClinVar variation 452960 (VCV000452960.2), dbSNP rs749910927, ClinGen allele CA2037536.

ClinVar aggregate classification (germline): Uncertain significance (1 of 4 stars; one submission).

Allele frequency attached by ClinVar (database versions not stated): gnomAD exomes below 0.00001; ExAC 0.00001.
gnomAD v4.1: 1 of 1,613,562 alleles (0.000062%); highest among the groups gnomAD compares: Non-Finnish European, 0.000085%; no homozygotes.

Submission:

GeneDx
Classification: Uncertain significance. Last evaluated: 2017-10-24. Review status: criteria provided, single submitter. Criteria: GeneDx Variant Classification (06012015). Collection method: clinical testing. Allele origin: germline. Affected: yes.
Comment: A variant of uncertain significance has been identified in the HECW2 gene. The T1453I variant has not been published as a pathogenic variant, nor has it been reported as a benign variant to our knowledge. The T1453I variant is observed in 1/111632 (0.001%) alleles from individuals of Eurropean background, in large population cohorts (Lek et al., 2016). The T1453I variant is a non-conservative amino acid substitution, which is likely to impact secondary protein structure as these residues differ in polarity, charge, size and/or other properties. Additionally, this substitution occurs at a position that is conserved across species, and in silico analysis predicts this variant is probably damaging to the protein structure/function. Therefore, based on the currently available information, it is unclear whether this variant is a pathogenic variant or a rare benign variant.